The following is an entry in ClinVar:

ClinVar aggregate classification (germline): Likely benign. Review status: criteria provided, multiple submitters, no conflicts (2 of 4 stars). 8 submissions from 8 submitters: Likely benign (8). Last evaluated 2026-08-01.

Conditions:
SZT2-related disorder. Also called: SZT2-related condition.
Inborn genetic diseases. Identifiers: MedGen C0950123, MeSH D030342.
Developmental and epileptic encephalopathy, 18 (DEE18). Also called: Early infantile epileptic encephalopathy 18. Identifiers: Orphanet 369894, MedGen C3809624, MONDO:0014201, OMIM 615476.

Allele frequency attached by ClinVar (database versions not stated): gnomAD 0.00009 and 0.00011; gnomAD exomes 0.00012 and 0.00018; ExAC 0.00013; TOPMed 0.00014; 1000 Genomes Project 0.00060; 1000 Genomes Project 30x 0.00094.

Submissions (8):

CeGaT Center for Human Genetics Tuebingen
Classification: Likely benign. Last evaluated: 2026-08-01. Review status: criteria provided, single submitter. Criteria: CeGaT Center For Human Genetics Tuebingen Variant Classification Criteria Version 2. Collection method: clinical testing. Allele origin: germline. Affected: yes. Observed: 4 variant alleles.
Comment: SZT2: BP4, BP7

Labcorp Genetics (formerly Invitae), Labcorp
Classification: Likely benign. Last evaluated: 2026-01-12. Review status: criteria provided, single submitter. Criteria: Invitae Variant Classification Sherloc (09022015). Collection method: clinical testing. Allele origin: germline.

Mayo Clinic Laboratories, Mayo Clinic
Classification: Likely benign. Last evaluated: 2025-11-02. Review status: criteria provided, single submitter. Criteria: ACMG Guidelines, 2015. Collection method: clinical testing. Allele origin: germline. Observed: 1 variant allele.
Comment: BP4, BP7

PreventionGenetics, part of Exact Sciences
Classification: Likely benign for SZT2-related condition. Last evaluated: 2025-09-03. Review status: criteria provided, single submitter. Criteria: ACMG Guidelines, 2015. Collection method: clinical testing. Allele origin: germline.
Comment: This variant is classified as likely benign based on ACMG/AMP sequence variant interpretation guidelines (Richards et al. 2015 PMID: 25741868, with internal and published modifications).

Women's Health and Genetics/Laboratory Corporation of America, LabCorp
Classification: Likely benign. Last evaluated: 2025-04-16. Review status: criteria provided, single submitter. Criteria: LabCorp Variant Classification Summary - May 2015. Collection method: clinical testing. Allele origin: germline.

Blueprint Genetics
Classification: Likely benign. Last evaluated: 2023-12-28. Review status: criteria provided, single submitter. Criteria: ACMG Guidelines, 2015. Collection method: clinical testing. Allele origin: germline.

Genome-Nilou Lab
Classification: Likely benign for Developmental and epileptic encephalopathy, 18. Last evaluated: 2023-04-11. Review status: criteria provided, single submitter. Criteria: ACMG Guidelines, 2015. Collection method: clinical testing. Allele origin: germline. Affected: no.

Ambry Genetics
Classification: Likely benign for Inborn genetic diseases. Last evaluated: 2016-09-22. Review status: criteria provided, single submitter. Criteria: Ambry Variant Classification Scheme 2023. Collection method: clinical testing. Allele origin: germline.

NM_001365999.1(SZT2):c.8295C>T (p.Asp2765=)

Gene: SZT2 (SZT2 subunit of KICSTOR complex; plus strand). Cytogenetic location: 1p34.2.
Variant type: single nucleotide variant.
Coding change: c.8295C>T on transcript NM_001365999.1 (MANE Select); coding-DNA position 8295, C replaced by T.
Protein change: p.Asp2765=; no amino-acid change (aspartic acid 2765 retained).
Molecular consequence: synonymous variant.
Genome position (GRCh38, 1-based): chr1:43,442,962, C>T. VCF-style: chr1-43442962-C-T. GRCh37 (hg19) VCF-style: chr1-43908633-C-T.
Other names: p.Asp2708=; c.8124C>T, p.Asp2708= (NM_015284.4).
Identifiers: ClinVar variation 589932 (VCV000589932.51), dbSNP rs181686875, ClinGen allele CA810505.
Genomic context (GRCh38, chr1:43,442,962, plus strand): 5'-CCGACTGAGTGGGTCCTCTCGTGGTGGGGGTCCTCTTCCCCTGGACACATTCCCCTTTGA[C>T]GAGGCCCTAAGGGATATCACGGCTGCCCGCCCCAGCTCCGTACTTGGTCCTGTGCCCAGA-3'
Protein context (NP_001352928.1, residues 2755-2775): GPLPLDTFPF[Asp2765=]EALRDITAAR